The following is an entry in ClinVar:

ClinVar aggregate classification (germline): Conflicting classifications of pathogenicity. Review status: criteria provided, conflicting classifications (1 of 4 stars). 4 submissions from 4 submitters: Uncertain significance (1); Likely benign (2). 1 of the submissions does not count toward it. Last evaluated 2025-09-07.

Conditions:
Imerslund-Grasbeck syndrome type 1 (IGS1). Also called: Megaloblastic anemia 1, Finnish type; MEGALOBLASTIC ANEMIA, 1; Imerslund-Gräsbeck syndrome 1. Identifiers: MedGen C4016819, MONDO:0100156, OMIM 261100.
CUBN-related disorder. Also called: CUBN-related condition.
Imerslund-Grasbeck syndrome. Also called: Megaloblastic anemia due to inborn errors of metabolism; Imerslund-Gräsbeck syndrome; ENTEROCYTE COBALAMIN MALABSORPTION; ENTEROCYTE INTRINSIC FACTOR RECEPTOR, DEFECT OF; PERNICIOUS ANEMIA, JUVENILE, DUE TO SELECTIVE INTESTINAL MALABSORPTION OF VITAMIN B12, WITH PROTEINURIA. Identifiers: Orphanet 35858, MedGen C4551825, MONDO:0009853.

Allele frequency attached by ClinVar (database versions not stated): ExAC 0.00022; gnomAD 0.00028 and 0.00027; gnomAD exomes 0.00023; TOPMed 0.00025; ESP Exome Variant Server 0.00038.
gnomAD v4.1: 603 of 1,613,534 alleles (0.037%); highest among the groups gnomAD compares: Non-Finnish European, 0.048%; no homozygotes.

Submissions (4):

Labcorp Genetics (formerly Invitae), Labcorp
Classification: Likely benign for Imerslund-Grasbeck syndrome. Last evaluated: 2025-09-07. Review status: criteria provided, single submitter. Criteria: Invitae Variant Classification Sherloc (09022015). Collection method: clinical testing. Allele origin: germline.

ARUP Laboratories, Molecular Genetics and Genomics, ARUP Laboratories
Classification: Likely benign. Last evaluated: 2024-09-30. Review status: criteria provided, single submitter. Criteria: ARUP Molecular Germline Variant Investigation Process 2024. Collection method: clinical testing. Allele origin: germline.

Illumina Laboratory Services, Illumina
Classification: Uncertain significance for Imerslund-Grasbeck syndrome type 1. Last evaluated: 2018-01-13. Review status: criteria provided, single submitter. Criteria: ICSL Variant Classification Criteria 13 December 2019. Collection method: clinical testing. Allele origin: germline.

PreventionGenetics, part of Exact Sciences
Classification: Likely benign for CUBN-related condition. Last evaluated: 2022-04-14. Review status: no assertion criteria provided. Collection method: clinical testing. Allele origin: germline. Not counted in ClinVar's aggregate classification.
Comment: This variant is classified as likely benign based on ACMG/AMP sequence variant interpretation guidelines (Richards et al. 2015 PMID: 25741868, with internal and published modifications).

NM_001081.4(CUBN):c.9664-9T>G

Gene: CUBN (cubilin; minus strand). Cytogenetic location: 10p13.
Variant type: single nucleotide variant.
Coding change: c.9664-9T>G on transcript NM_001081.4 (MANE Select); 9 bases into the intron before coding-DNA position 9664, T replaced by G.
Molecular consequence: intron variant.
Genome position (GRCh38, 1-based): chr10:16,841,056, A>C on the plus strand (T>G on the coding strand, the complement: CUBN is on the minus strand). VCF-style: chr10-16841056-A-C. GRCh37 (hg19) VCF-style: chr10-16883055-A-C.
Identifiers: ClinVar variation 299375 (VCV000299375.15), dbSNP rs145383974, ClinGen allele CA5422628.